The following is an entry in ClinVar:

NM_004415.4(DSP):c.4518del (p.Arg1506fs)

Gene: DSP (desmoplakin; plus strand). Cytogenetic location: 6p24.3.
Variant type: Deletion.
Coding change: c.4518del on transcript NM_004415.4 (MANE Select); coding-DNA position 4518, one base deleted (A; older notation c.4518delA).
Protein change: p.Arg1506fs; shifts the reading frame from arginine 1506.
Molecular consequence: frameshift variant. On other transcripts: intron variant (2).
Genome position (GRCh38, 1-based): chr6:7,580,708, A deleted. VCF-style (leftmost placement, unchanged base first): chr6-7580707-GA-G. GRCh37 (hg19) VCF-style: chr6-7580940-GA-G.
Other names: c.4518delA (NM_004415.2); c.4518del (NM_004415.2); c.4050+468del (NM_001319034.2); c.3582+936del (NM_001008844.3); short protein forms R1506fs.
Identifiers: ClinVar variation 918115 (VCV000918115.52), dbSNP rs1289037294, ClinGen allele CA565358139.

ClinVar aggregate classification (germline): Pathogenic/Likely pathogenic. Review status: criteria provided, multiple submitters, no conflicts (2 of 4 stars). 5 submissions from 5 submitters: Pathogenic (2); Likely pathogenic (3). Last evaluated 2025-12-17.

Conditions:
Arrhythmogenic cardiomyopathy with wooly hair and keratoderma. Also called: PALMOPLANTAR KERATODERMA WITH LEFT VENTRICULAR CARDIOMYOPATHY AND WOOLLY HAIR; Arrhythmogenic cardiomyopathy with woolly hair and keratoderma; Dilated cardiomyopathy with woolly hair and keratoderma; Carvajal syndrome. Identifiers: Orphanet 65282, MedGen C1854063, MONDO:0011581, OMIM 605676.
Arrhythmogenic right ventricular dysplasia 8 (ARVD8). Also called: Arrhythmogenic Right Ventricular Dysplasia/Cardiomyopathy 8; ARRHYTHMOGENIC RIGHT VENTRICULAR DYSPLASIA, FAMILIAL, 8; ARRHYTHMOGENIC RIGHT VENTRICULAR CARDIOMYOPATHY 8. Identifiers: MedGen C1843896, MONDO:0011831, OMIM 607450.
Cardiac arrhythmia. Also called: Cardiac rhythm disease; Arrhythmia. Identifiers: MedGen C0003811, MONDO:0007263, HP:0011675.
Cardiovascular phenotype. Identifiers: MedGen CN230736.

Allele frequency attached by ClinVar (database versions not stated): gnomAD 0.00001; TOPMed 0.00001.

Submissions (5):

Labcorp Genetics (formerly Invitae), Labcorp
Classification: Pathogenic for Arrhythmogenic cardiomyopathy with wooly hair and keratoderma; Arrhythmogenic right ventricular dysplasia 8. Last evaluated: 2025-12-17. Review status: criteria provided, single submitter. Criteria: Invitae Variant Classification Sherloc (09022015). Collection method: clinical testing. Allele origin: germline.
Comment: This sequence change creates a premature translational stop signal (p.Arg1506Serfs*20) in the DSP gene. It is expected to result in an absent or disrupted protein product. Loss-of-function variants in DSP are known to be pathogenic (PMID: 20716751, 24503780, 25227139, 30398466). This variant is present in population databases (no rsID available, gnomAD 0.01%). This variant has not been reported in the literature in individuals affected with DSP-related conditions. ClinVar contains an entry for this variant (Variation ID: 918115). For these reasons, this variant has been classified as Pathogenic.

Ambry Genetics
Classification: Pathogenic for Cardiovascular phenotype. Last evaluated: 2023-05-16. Review status: criteria provided, single submitter. Criteria: Ambry Variant Classification Scheme 2023. Collection method: clinical testing. Allele origin: germline.
Comment: The c.4518delA pathogenic mutation, located in coding exon 23 of the DSP gene, results from a deletion of one nucleotide at nucleotide position 4518, causing a translational frameshift with a predicted alternate stop codon (p.R1506Sfs*20). This variant has been detected in an arrhythmogenic right ventricular cardiomyopathy cohort and in an individual with recurrent myocarditis (Costa S et al. Circ Genom Precis Med, 2021 Feb;14:e003047; Ghawanmeh M et al. JACC Case Rep, 2022 Jan;4:59-62). Alterations in DSP that result in haploinsufficiency or protein truncation have been reported in patients with arrhythmogenic right ventricular cardiomyopathy (ARVC) and dilated cardiomyopathy (DCM) (Fressart V et al. Europace. 2010;12(6):861-8; Elliott P et al. Circ Cardiovasc Genet. 2010;3(4):314-22; Quarta G et al. Circulation. 2011;123(23):2701-9; Garcia-Pavia P et al. Heart. 2011;97(21):1744-52; Rasmussen TB et al. Clin Genet. 2013;84(1):20-30; Pugh TJ et al. Genet Med. 2014;16(8):601-8). This alteration is expected to result in loss of function by premature protein truncation or nonsense-mediated mRNA decay. Based on the supporting evidence, this alteration is interpreted as a disease-causing mutation.

Revvity Omics, Revvity
Classification: Likely pathogenic. Last evaluated: 2022-07-06. Review status: criteria provided, single submitter. Criteria: ACMG Guidelines, 2015. Collection method: clinical testing. Allele origin: germline.

Clinical Genetics Laboratory, Skane University Hospital Lund
Classification: Likely pathogenic. Last evaluated: 2022-05-27. Review status: criteria provided, single submitter. Criteria: ACMG Guidelines, 2015. Collection method: clinical testing. Allele origin: germline. Affected: yes.

Women's Health and Genetics/Laboratory Corporation of America, LabCorp
Classification: Likely pathogenic for Arrhythmia. Last evaluated: 2020-03-02. Review status: criteria provided, single submitter. Criteria: LabCorp Variant Classification Summary - May 2015. Collection method: clinical testing. Allele origin: germline.
Comment: Variant summary: DSP c.4518delA (p.Arg1506SerfsX20) results in a premature termination codon, predicted to cause a truncation of the encoded protein or absence of the protein due to nonsense mediated decay, which are commonly known mechanisms for disease. Truncations downstream of this position have been classified as likely pathogenic by our laboratory (e.g. c.5126_5127delTC p.Leu1709fsX24; c.5940dupC p.Tyr1981fsX2). The variant allele was found at a frequency of 3.2e-05 in 31412 control chromosomes (gnomAD). To our knowledge, no occurrence of c.4518delA in individuals affected with Arrhythmia and no experimental evidence demonstrating its impact on protein function have been reported. No clinical diagnostic laboratories have submitted clinical-significance assessments for this variant to ClinVar after 2014. Based on the evidence outlined above, the variant was classified as likely pathogenic.

Literature cited by the submitters: PubMed 20716751 (cited by Labcorp Genetics (formerly Invitae), Labcorp); PubMed 24503780 (cited by Labcorp Genetics (formerly Invitae), Labcorp); PubMed 25227139 (cited by Labcorp Genetics (formerly Invitae), Labcorp); PubMed 30398466 (cited by Labcorp Genetics (formerly Invitae), Labcorp); PubMed 30291343 (cited by Ambry Genetics); PubMed 33232181 (cited by Ambry Genetics); PubMed 35036946 (cited by Ambry Genetics).